The following is an entry in ClinVar:

ClinVar aggregate classification (germline): Pathogenic (1 of 4 stars; one submission).

Conditions:
Spastic paraplegia. Identifiers: MedGen C0037772, HP:0001258.

Allele frequency attached by ClinVar (database versions not stated): gnomAD exomes below 0.00001.
gnomAD v4.1: 1 of 1,614,188 alleles (0.000062%); no homozygotes.

Submission:

Labcorp Genetics (formerly Invitae), Labcorp
Classification: Pathogenic for Spastic paraplegia. Last evaluated: 2020-12-27. Review status: criteria provided, single submitter. Criteria: Invitae Variant Classification Sherloc (09022015). Collection method: clinical testing. Allele origin: germline.
Comment: For these reasons, this variant has been classified as Pathogenic. This variant has not been reported in the literature in individuals with SACS-related conditions. This variant is not present in population databases (ExAC no frequency). This sequence change creates a premature translational stop signal (p.Gln658*) in the SACS gene. It is expected to result in an absent or disrupted protein product. Loss-of-function variants in SACS are known to be pathogenic (PMID: 18465152, 20876471).

Literature cited by the submitters: PubMed 18465152; PubMed 20876471.

NM_014363.6(SACS):c.1972C>T (p.Gln658Ter)

Gene: SACS (sacsin molecular chaperone; minus strand). Cytogenetic location: 13q12.12.
Variant type: single nucleotide variant.
Coding change: c.1972C>T on transcript NM_014363.6 (MANE Select); coding-DNA position 1972, C replaced by T.
Protein change: p.Gln658Ter; replaces glutamine 658 with a stop codon.
Molecular consequence: nonsense.
Genome position (GRCh38, 1-based): chr13:23,354,640, G>A on the plus strand (C>T on the coding strand, the complement: SACS is on the minus strand). VCF-style: chr13-23354640-G-A. GRCh37 (hg19) VCF-style: chr13-23928779-G-A.
Other names: c.1531C>T, p.Gln511Ter (NM_001278055.2); short protein forms Q511*, Q658*.
Identifiers: ClinVar variation 1446779 (VCV001446779.6), dbSNP rs1238606214, ClinGen allele CA387545608.